The following is an entry in ClinVar:

ClinVar aggregate classification (germline): Pathogenic/Likely pathogenic. Review status: criteria provided, multiple submitters, no conflicts (2 of 4 stars). 3 submissions from 3 submitters: Pathogenic (2); Likely pathogenic (1). Last evaluated 2025-09-29.

Conditions:
Deficiency of galactokinase. Also called: GALACTOSEMIA II; Galactokinase deficiency with cataracts. Identifiers: Orphanet 352, Orphanet 79237, MedGen C0268155, MONDO:0009255, OMIM 230200.

Allele frequency attached by ClinVar (database versions not stated): gnomAD exomes below 0.00001; ExAC 0.00001.
gnomAD v4.1: 2 of 1,612,300 alleles (0.00012%); highest among the groups gnomAD compares: Non-Finnish European, 0.00017%; no homozygotes.

Submissions (3):

Natera, Inc.
Classification: Likely pathogenic for Deficiency of galactokinase. Last evaluated: 2025-09-29. Review status: criteria provided, single submitter. Criteria: Natera Variant Classification Schema (03/2026). Collection method: clinical testing. Allele origin: germline.
Comment: The c.510T>A variant in GALK1 is a nonsense variant predicted to introduce a stop codon at amino acid 170. This variant is expected to result in nonsense mediated decay, truncation, or a dysfunctional protein product. This variant is rare in the general population with a frequency below the threshold expected for the associated phenotype(s). Given the available evidence, this variant is classified as Likely Pathogenic.

Baylor Genetics
Classification: Pathogenic for Deficiency of galactokinase. Last evaluated: 2023-10-05. Review status: criteria provided, single submitter. Criteria: ACMG Guidelines, 2015. Collection method: clinical testing. Allele origin: unknown.

Labcorp Genetics (formerly Invitae), Labcorp
Classification: Pathogenic for Deficiency of galactokinase. Last evaluated: 2020-08-10. Review status: criteria provided, single submitter. Criteria: Invitae Variant Classification Sherloc (09022015). Collection method: clinical testing. Allele origin: germline.
Comment: For these reasons, this variant has been classified as Pathogenic. Loss-of-function variants in GALK1 are known to be pathogenic (PMID: 7670469, 10790206). This variant has not been reported in the literature in individuals with GALK1-related conditions. This variant is present in population databases (rs775843885, ExAC 0.002%). This sequence change creates a premature translational stop signal (p.Cys170*) in the GALK1 gene. It is expected to result in an absent or disrupted protein product.

Literature cited by the submitters: PubMed 7670469 (cited by Labcorp Genetics (formerly Invitae), Labcorp); PubMed 10790206 (cited by Labcorp Genetics (formerly Invitae), Labcorp).

NM_000154.2(GALK1):c.510T>A (p.Cys170Ter)

Gene: GALK1 (galactokinase 1; minus strand). Cytogenetic location: 17q25.1.
Variant type: single nucleotide variant.
Coding change: c.510T>A on transcript NM_000154.2 (MANE Select); coding-DNA position 510, T replaced by A.
Protein change: p.Cys170Ter; replaces cysteine 170 with a stop codon.
Molecular consequence: nonsense.
Genome position (GRCh38, 1-based): chr17:75,763,115, A>T on the plus strand (T>A on the coding strand, the complement: GALK1 is on the minus strand). VCF-style: chr17-75763115-A-T. GRCh37 (hg19) VCF-style: chr17-73759196-A-T.
Other names: c.510T>A (NM_000154.1); c.510T>A, p.Cys170Ter (NM_001381985.1); short protein forms C170*.
Identifiers: ClinVar variation 1069966 (VCV001069966.9), dbSNP rs775843885, ClinGen allele CA8770915.